The following is an entry in ClinVar:

ClinVar aggregate classification (germline): Likely benign. Review status: criteria provided, single submitter (1 of 4 stars). 2 submissions from 2 submitters: Likely benign (1). 1 of the submissions does not count toward it. Last evaluated 2025-12-27.

Conditions:
CC2D2A-related disorder. Also called: CC2D2A-related disorders; CC2D2A-related condition. Identifiers: MedGen CN239313.
Joubert syndrome. Also called: JOUBERT-BOLTSHAUSER SYNDROME; Familial aplasia of the vermis. Identifiers: Orphanet 475, MedGen C5979921, MONDO:0018772.
Meckel-Gruber syndrome. Also called: DYSENCEPHALIA SPLANCHNOCYSTICA; GRUBER SYNDROME; Dysencephalia splachnocystica. Identifiers: Orphanet 564, MedGen C0265215, MONDO:0018921.

Allele frequency attached by ClinVar (database versions not stated): gnomAD 0.00001 and 0.00002; gnomAD exomes 0.00001 and 0.00002; ExAC 0.00002; 1000 Genomes Project 0.00020; 1000 Genomes Project 30x 0.00031.
gnomAD v4.1: 11 of 1,613,024 alleles (0.00068%); highest among the groups gnomAD compares: Admixed American, 0.005%; no homozygotes.

Submissions (2):

Labcorp Genetics (formerly Invitae), Labcorp
Classification: Likely benign for Joubert syndrome; Meckel-Gruber syndrome. Last evaluated: 2025-12-27. Review status: criteria provided, single submitter. Criteria: Invitae Variant Classification Sherloc (09022015). Collection method: clinical testing. Allele origin: germline.

PreventionGenetics, part of Exact Sciences
Classification: Likely benign for CC2D2A-related condition. Last evaluated: 2022-04-26. Review status: no assertion criteria provided. Collection method: clinical testing. Allele origin: germline. Not counted in ClinVar's aggregate classification.
Comment: This variant is classified as likely benign based on ACMG/AMP sequence variant interpretation guidelines (Richards et al. 2015 PMID: 25741868, with internal and published modifications).

NM_001378615.1(CC2D2A):c.2436C>T (p.Asn812=)

Genes: CC2D2A (coiled-coil and C2 domain containing 2A; plus strand), FBXL5 (F-box and leucine rich repeat protein 5; minus strand). Cytogenetic location: 4p15.32.
Variant type: single nucleotide variant.
Coding change: c.2436C>T on transcript NM_001378615.1 (MANE Select); coding-DNA position 2436, C replaced by T.
Protein change: p.Asn812=; no amino-acid change (asparagine 812 retained).
Molecular consequence: synonymous variant.
Genome position (GRCh38, 1-based): chr4:15,553,255, C>T. VCF-style: chr4-15553255-C-T. GRCh37 (hg19) VCF-style: chr4-15554878-C-T.
Other names: c.2436C>T, p.Asn812= (NM_001080522.2); c.2289C>T, p.Asn763= (NM_001378617.1).
Identifiers: ClinVar variation 1574055 (VCV001574055.10), dbSNP rs200973968, ClinGen allele CA2863919.